The following is an entry in ClinVar:

NM_005198.5(CHKB):c.689_690del (p.Glu230fs)

Genes: CHKB (choline kinase beta; minus strand), CHKB-CPT1B (CHKB-CPT1B readthrough (NMD candidate); minus strand). Cytogenetic location: 22q13.33.
Variant type: Microsatellite.
Coding change: c.689_690del on transcript NM_005198.5 (MANE Select); coding-DNA positions 689 to 690, 2 bases deleted (AG; older notation c.689_690delAG).
Protein change: p.Glu230fs; shifts the reading frame from glutamic acid 230.
Molecular consequence: frameshift variant. On other transcripts: non-coding transcript variant (1).
Genome position (GRCh38, 1-based): chr22:50,580,404-50,580,405, CT deleted on the plus strand (AG on the coding strand, the reverse complement: CHKB is on the minus strand); deleting any 2 consecutive bases within chr22:50,580,404-50,580,407 gives the same sequence; the c. name uses the placement nearest the transcript's 3' end. VCF-style (leftmost placement, unchanged base first): chr22-50580403-ACT-A. GRCh37 (hg19) VCF-style: chr22-51018832-ACT-A.
Other names: short protein forms E230fs.
Identifiers: ClinVar variation 4799581 (VCV004799581.1).

ClinVar aggregate classification (germline): Pathogenic (1 of 4 stars; one submission).

Conditions:
Megaconial type congenital muscular dystrophy (MDCMC). Also called: CHKB-Related Muscle Diseases; CHKB-Related Muscular Dystrophy; MUSCULAR DYSTROPHY, CONGENITAL, WITH MITOCHONDRIAL STRUCTURAL ABNORMALITIES. Identifiers: Orphanet 280671, MedGen C1865233, MONDO:0011246, OMIM 602541.

Submission:

Labcorp Genetics (formerly Invitae), Labcorp
Classification: Pathogenic for Megaconial type congenital muscular dystrophy. Last evaluated: 2026-01-27. Review status: criteria provided, single submitter. Criteria: Invitae Variant Classification Sherloc (09022015). Collection method: clinical testing. Allele origin: germline.
Comment: This sequence change creates a premature translational stop signal (p.Glu230Valfs*12) in the CHKB gene. It is expected to result in an absent or disrupted protein product. Loss-of-function variants in CHKB are known to be pathogenic (PMID: 21665002). This variant is not present in population databases (gnomAD no frequency). This variant has not been reported in the literature in individuals affected with CHKB-related conditions. Algorithms developed to predict the effect of sequence changes on RNA splicing suggest that this variant may disrupt the consensus splice site. For these reasons, this variant has been classified as Pathogenic.

Literature cited by the submitters: PubMed 21665002.